The following is an entry in ClinVar:

ClinVar aggregate classification (germline): Benign (1 of 4 stars; one submission).

Allele frequency attached by ClinVar (database versions not stated): gnomAD 0.10178 and 0.10655; TOPMed 0.12390; 1000 Genomes Project 30x 0.14241; 1000 Genomes Project 0.14317.
gnomAD v4.1: 16,278 of 152,312 alleles (11%); highest among the groups gnomAD compares: Admixed American, 28%; 1,405 homozygotes.

Submission:

GeneDx
Classification: Benign. Last evaluated: 2018-06-19. Review status: criteria provided, single submitter. Criteria: GeneDx Variant Classification (06012015). Collection method: clinical testing. Allele origin: germline. Affected: yes.
Comment: This variant is considered likely benign or benign based on one or more of the following criteria: it is a conservative change, it occurs at a poorly conserved position in the protein, it is predicted to be benign by multiple in silico algorithms, and/or has population frequency not consistent with disease.

NM_001005373.4(LRSAM1):c.175-186G>T

Gene: LRSAM1 (leucine rich repeat and sterile alpha motif containing 1; plus strand). Cytogenetic location: 9q33.3.
Variant type: single nucleotide variant.
Coding change: c.175-186G>T on transcript NM_001005373.4 (MANE Select); 186 bases into the intron before coding-DNA position 175, G replaced by T.
Molecular consequence: intron variant.
Genome position (GRCh38, 1-based): chr9:127,457,130, G>T. VCF-style: chr9-127457130-G-T. GRCh37 (hg19) VCF-style: chr9-130219409-G-T.
Other names: c.175-186G>T (NM_138361.5, NM_001384142.1, NM_001384143.1 and 2 more transcripts); c.-610-186G>T (NM_001384144.1).
Identifiers: ClinVar variation 683121 (VCV000683121.1), dbSNP rs4837154, ClinGen allele CA13119167.